The following is an entry in ClinVar:

NM_000059.4(BRCA2):c.5347A>T (p.Lys1783Ter)

Gene: BRCA2 (BRCA2 DNA repair associated; plus strand). Cytogenetic location: 13q13.1.
Variant type: single nucleotide variant.
Coding change: c.5347A>T on transcript NM_000059.4 (MANE Select); coding-DNA position 5347, A replaced by T.
Protein change: p.Lys1783Ter; replaces lysine 1783 with a stop codon.
Molecular consequence: nonsense. On other transcripts: non-coding transcript variant (1), intron variant (2).
Genome position (GRCh38, 1-based): chr13:32,339,702, A>T. VCF-style: chr13-32339702-A-T. GRCh37 (hg19) VCF-style: chr13-32913839-A-T.
Other names: c.5347A>T, p.Lys1783Ter (NM_001406719.1, NM_001406720.1, NM_001432077.1); c.1910-4856A>T (NM_001406721.1); c.425-4856A>T (NM_001406722.1); short protein forms K1783*.
Identifiers: ClinVar variation 3729156 (VCV003729156.2).

ClinVar aggregate classification (germline): Pathogenic (1 of 4 stars; one submission).

Conditions:
Hereditary breast ovarian cancer syndrome. Also called: Hereditary breast and ovarian cancer syndrome; Hereditary breast and/or ovarian cancer syndrome; Hereditary breast and ovarian cancer; Hereditary breast and ovarian cancer syndrome (HBOC); Breast and ovarian cancer; BRCA1- and BRCA2-Associated Hereditary Breast and Ovarian Cancer. Identifiers: Orphanet 145, MedGen C0677776, MeSH D061325, MONDO:0003582. Disease mechanism: loss of function.

Submission:

Labcorp Genetics (formerly Invitae), Labcorp
Classification: Pathogenic for Hereditary breast ovarian cancer syndrome. Last evaluated: 2025-01-20. Review status: criteria provided, single submitter. Criteria: Invitae Variant Classification Sherloc (09022015). Collection method: clinical testing. Allele origin: germline.
Comment: This sequence change creates a premature translational stop signal (p.Lys1783*) in the BRCA2 gene. It is expected to result in an absent or disrupted protein product. Loss-of-function variants in BRCA2 are known to be pathogenic (PMID: 20104584). This variant is not present in population databases (gnomAD no frequency). This variant has not been reported in the literature in individuals affected with BRCA2-related conditions. For these reasons, this variant has been classified as Pathogenic.

Literature cited by the submitters: PubMed 20104584.